The following is an entry in ClinVar:

NM_001374353.1(GLI2):c.270C>T (p.Ser90=)

Gene: GLI2 (GLI family zinc finger 2; plus strand). Cytogenetic location: 2q14.2.
Variant type: single nucleotide variant.
Coding change: c.270C>T on transcript NM_001374353.1 (MANE Select); coding-DNA position 270, C replaced by T.
Protein change: p.Ser90=; no amino-acid change (serine 90 retained).
Molecular consequence: synonymous variant. On other transcripts: 5 prime UTR variant (1).
Genome position (GRCh38, 1-based): chr2:120,951,258, C>T. VCF-style: chr2-120951258-C-T. GRCh37 (hg19) VCF-style: chr2-121708834-C-T.
Other names: c.270C>T, p.Ser90= (NM_001371271.1, NM_005270.5); c.-106C>T (NM_001374354.1).
Identifiers: ClinVar variation 894190 (VCV000894190.4), dbSNP rs370629096, ClinGen allele CA1851489.

ClinVar aggregate classification (germline): Likely benign (1 of 4 stars; one submission).

Conditions:
Holoprosencephaly 9 (HPE9). Also called: HOLOPROSENCEPHALY WITH MICROPHTHALMIA AND FIRST BRANCHIAL ARCH ANOMALIES; PITUITARY ANOMALIES WITH HOLOPROSENCEPHALY-LIKE FEATURES. Identifiers: Orphanet 2162, MedGen C1835819, MONDO:0012563, OMIM 610829.

Allele frequency attached by ClinVar (database versions not stated): ExAC 0.00002; gnomAD exomes 0.00002; gnomAD 0.00004 and 0.00006; TOPMed 0.00004; ESP Exome Variant Server 0.00008; 1000 Genomes Project 0.00060; 1000 Genomes Project 30x 0.00062.
gnomAD v4.1: 21 of 1,608,224 alleles (0.0013%); highest among the groups gnomAD compares: East Asian, 0.016%; no homozygotes.

Submission:

Illumina Laboratory Services, Illumina
Classification: Likely benign for Holoprosencephaly 9. Last evaluated: 2018-01-13. Review status: criteria provided, single submitter. Criteria: ICSL Variant Classification Criteria 13 December 2019. Collection method: clinical testing. Allele origin: germline.
Comment: This variant was observed in the ICSL laboratory as part of a predisposition screen in an ostensibly healthy population. It had not been previously curated by ICSL or reported in the Human Gene Mutation Database (HGMD: prior to June 1st, 2018), and was therefore a candidate for classification through an automated scoring system. Utilizing variant allele frequency, disease prevalence and penetrance estimates, and inheritance mode, an automated score was calculated to assess if this variant is too frequent to cause the disease. Based on the score and internal cut-off values, a variant classified as likely benign is not then subjected to further curation. The score for this variant resulted in a classification of likely benign for this disease.